The following is an entry in ClinVar:

NM_194454.3(KRIT1):c.1217A>G (p.Glu406Gly)

Gene: KRIT1 (KRIT1 ankyrin repeat containing; minus strand). Cytogenetic location: 7q21.2.
Variant type: single nucleotide variant.
Coding change: c.1217A>G on transcript NM_194454.3 (MANE Select); coding-DNA position 1217, A replaced by G.
Protein change: p.Glu406Gly; replaces glutamic acid 406 with glycine.
Molecular consequence: missense variant.
Genome position (GRCh38, 1-based): chr7:92,225,757, T>C on the plus strand (A>G on the coding strand, the complement: KRIT1 is on the minus strand). VCF-style: chr7-92225757-T-C. GRCh37 (hg19) VCF-style: chr7-91855071-T-C.
Other names: c.1073A>G, p.Glu358Gly (NM_001013406.2, NM_001350669.1, NM_001350670.1); c.503A>G, p.Glu168Gly (NM_001350671.1); c.1217A>G, p.Glu406Gly (NM_001350672.1, NM_001350673.1, NM_001350674.1 and 26 more transcripts); short protein forms E168G, E358G, E406G.
Identifiers: ClinVar variation 3614524 (VCV003614524.2).

ClinVar aggregate classification (germline): Uncertain significance (1 of 4 stars; one submission).

Conditions:
Cerebral cavernous malformation (CCM). Also called: CAVERNOUS ANGIOMA, FAMILIAL; CAVERNOUS ANGIOMATOUS MALFORMATIONS; CEREBRAL CAPILLARY MALFORMATIONS; Cavernous Hemangioma of Brain; Cerebral cavernous hemangioma (type); Cerebral cavernous malformations. Identifiers: Orphanet 221061, MedGen C2919945, MONDO:0000820, OMIM 116860, HP:0033522.

Submission:

Labcorp Genetics (formerly Invitae), Labcorp
Classification: Uncertain significance for Cerebral cavernous malformation. Last evaluated: 2024-06-03. Review status: criteria provided, single submitter. Criteria: Invitae Variant Classification Sherloc (09022015). Collection method: clinical testing. Allele origin: germline.
Comment: This sequence change replaces glutamic acid, which is acidic and polar, with glycine, which is neutral and non-polar, at codon 406 of the KRIT1 protein (p.Glu406Gly). This variant is not present in population databases (gnomAD no frequency). This variant has not been reported in the literature in individuals affected with KRIT1-related conditions. Advanced modeling of protein sequence and biophysical properties (such as structural, functional, and spatial information, amino acid conservation, physicochemical variation, residue mobility, and thermodynamic stability) performed at Invitae indicates that this missense variant is not expected to disrupt KRIT1 protein function with a negative predictive value of 80%. In summary, the available evidence is currently insufficient to determine the role of this variant in disease. Therefore, it has been classified as a Variant of Uncertain Significance.